The following is an entry in ClinVar:

ClinVar aggregate classification (germline): Uncertain significance (1 of 4 stars; one submission).

Allele frequency attached by ClinVar (database versions not stated): gnomAD exomes below 0.00001; ExAC 0.00001; TOPMed 0.00002; gnomAD 0.00003.
gnomAD v4.1: 8 of 1,612,808 alleles (0.0005%); highest among the groups gnomAD compares: African/African-American, 0.0093%; no homozygotes.

Submission:

Labcorp Genetics (formerly Invitae), Labcorp
Classification: Uncertain significance. Last evaluated: 2025-02-11. Review status: criteria provided, single submitter. Criteria: Invitae Variant Classification Sherloc (09022015). Collection method: clinical testing. Allele origin: germline.
Comment: This sequence change replaces valine, which is neutral and non-polar, with isoleucine, which is neutral and non-polar, at codon 596 of the AP3D1 protein (p.Val596Ile). This variant is present in population databases (rs778222588, gnomAD 0.01%). This variant has not been reported in the literature in individuals affected with AP3D1-related conditions. ClinVar contains an entry for this variant (Variation ID: 2723755). An algorithm developed to predict the effect of missense changes on protein structure and function (PolyPhen-2) suggests that this variant is likely to be tolerated. In summary, the available evidence is currently insufficient to determine the role of this variant in disease. Therefore, it has been classified as a Variant of Uncertain Significance.

NM_001261826.3(AP3D1):c.1786G>A (p.Val596Ile)

Gene: AP3D1 (adaptor related protein complex 3 subunit delta 1; minus strand). Cytogenetic location: 19p13.3.
Variant type: single nucleotide variant.
Coding change: c.1786G>A on transcript NM_001261826.3 (MANE Select); coding-DNA position 1786, G replaced by A.
Protein change: p.Val596Ile; replaces valine 596 with isoleucine.
Molecular consequence: missense variant.
Genome position (GRCh38, 1-based): chr19:2,117,295, C>T on the plus strand (G>A on the coding strand, the complement: AP3D1 is on the minus strand). VCF-style: chr19-2117295-C-T. GRCh37 (hg19) VCF-style: chr19-2117294-C-T.
Other names: c.1786G>A, p.Val596Ile (NM_001374799.1, NM_003938.8); short protein forms V596I.
Identifiers: ClinVar variation 2723755 (VCV002723755.3), dbSNP rs778222588, ClinGen allele CA9059184.